The following is an entry in ClinVar:

NM_017841.4(SDHAF2):c.37-7A>G

Gene: SDHAF2 (succinate dehydrogenase complex assembly factor 2; plus strand). Cytogenetic location: 11q12.2.
Variant type: single nucleotide variant.
Coding change: c.37-7A>G on transcript NM_017841.4 (MANE Select); 7 bases into the intron before coding-DNA position 37, A replaced by G.
Molecular consequence: intron variant.
Genome position (GRCh38, 1-based): chr11:61,437,618, A>G. VCF-style: chr11-61437618-A-G. GRCh37 (hg19) VCF-style: chr11-61205090-A-G.
Identifiers: ClinVar variation 463826 (VCV000463826.12), dbSNP rs1554984610, ClinGen allele CA658658062.
Genomic context (GRCh38, chr11:61,437,618, plus strand): 5'-CATTGAGTAAATGATAGCGATGATAGTCGTCATTATTGTAAAGATGTTTGTGGTTTGTTC[A>G]TTTCAGATGCTTGCTCTGTCAAGGCACAGCCTATTGTCTCCTTTGCTCAGTGTGACATCA-3'

ClinVar aggregate classification (germline): Likely benign. Review status: criteria provided, multiple submitters, no conflicts (2 of 4 stars). 2 submissions from 2 submitters: Likely benign (2). Last evaluated 2026-08-04.

Conditions:
Hereditary pheochromocytoma and paraganglioma. Also called: Hereditary Paraganglioma-Pheochromocytoma Syndromes; Hereditary paragangliomas and pheochromocytomas; Hereditary pheochromocytoma-paraganglioma. Identifiers: Orphanet 29072, MedGen C4274332, MONDO:0017366.
Pheochromocytoma/paraganglioma syndrome 2. Also called: GLOMUS TUMORS, FAMILIAL, 2; Paragangliomas 2; SDHAF2-Related Hereditary Paraganglioma-Pheochromocytoma Syndrome (Paragangliomas 2); SDHAF2-Related Hereditary Paraganglioma-Pheochromocytoma Syndrome. Identifiers: Orphanet 29072, MedGen C1866552, MONDO:0011121, OMIM 601650.

Allele frequency attached by ClinVar (database versions not stated): gnomAD exomes below 0.00001.
gnomAD v4.1: 1 of 1,611,284 alleles (0.000062%); highest among the groups gnomAD compares: Non-Finnish European, 0.000085%; no homozygotes.

Submissions (2):

Myriad Genetics, Inc.
Classification: Likely benign for Pheochromocytoma/paraganglioma syndrome 2. Last evaluated: 2026-08-04. Review status: criteria provided, single submitter. Criteria: Myriad Autosomal Dominant, Autosomal Recessive and X-Linked Classification Criteria (2023). Collection method: clinical testing. Allele origin: unknown.
Comment: This variant is considered likely benign. This variant is intronic and is not expected to impact mRNA splicing.

Labcorp Genetics (formerly Invitae), Labcorp
Classification: Likely benign for Hereditary pheochromocytoma and paraganglioma. Last evaluated: 2020-07-19. Review status: criteria provided, single submitter. Criteria: Invitae Variant Classification Sherloc (09022015). Collection method: clinical testing. Allele origin: germline.